The following is an entry in ClinVar:

NM_000051.4(ATM):c.6215G>A (p.Gly2072Glu)

Genes: ATM (ATM serine/threonine kinase; plus strand), C11orf65 (chromosome 11 open reading frame 65; minus strand). Cytogenetic location: 11q22.3.
Variant type: single nucleotide variant.
Coding change: c.6215G>A on transcript NM_000051.4 (MANE Select); coding-DNA position 6215, G replaced by A.
Protein change: p.Gly2072Glu; replaces glycine 2072 with glutamic acid.
Molecular consequence: missense variant. On other transcripts: intron variant (2).
Genome position (GRCh38, 1-based): chr11:108,317,389, G>A. VCF-style: chr11-108317389-G-A. GRCh37 (hg19) VCF-style: chr11-108188116-G-A.
Other names: c.6215G>A, p.Gly2072Glu (NM_001351834.2); c.641-8318C>T (NM_001330368.2); c.*39-8318C>T (NM_001351110.2); short protein forms G2072E.
Identifiers: ClinVar variation 826253 (VCV000826253.9), dbSNP rs1183544857, ClinGen allele CA382551096.

ClinVar aggregate classification (germline): Uncertain significance. Review status: criteria provided, multiple submitters, no conflicts (2 of 4 stars). 2 submissions from 2 submitters: Uncertain significance (2). Last evaluated 2024-10-03.

Conditions:
Hereditary cancer-predisposing syndrome. Also called: Tumor predisposition; Neoplastic Syndromes, Hereditary; Hereditary Cancer Syndrome; Hereditary neoplastic syndrome. Identifiers: Orphanet 140162, MedGen C0027672, MeSH D009386, MONDO:0015356.
Ataxia-telangiectasia syndrome (AT). Also called: ATAXIA-TELANGIECTASIA, COMPLEMENTATION GROUP A; ATAXIA-TELANGIECTASIA, FRESNO VARIANT; Ataxia-telangiectasia; Ataxia-telangiectasia, complementation group D; AT, COMPLEMENTATION GROUP C; Ataxia-telangiectasia, complementation group E. Identifiers: Orphanet 100, MedGen C0004135, MONDO:0008840, OMIM 208900.

Submissions (2):

Labcorp Genetics (formerly Invitae), Labcorp
Classification: Uncertain significance for Ataxia-telangiectasia syndrome. Last evaluated: 2024-10-03. Review status: criteria provided, single submitter. Criteria: Invitae Variant Classification Sherloc (09022015). Collection method: clinical testing. Allele origin: germline.
Comment: This sequence change replaces glycine, which is neutral and non-polar, with glutamic acid, which is acidic and polar, at codon 2072 of the ATM protein (p.Gly2072Glu). This variant is not present in population databases (gnomAD no frequency). This variant has not been reported in the literature in individuals affected with ATM-related conditions. ClinVar contains an entry for this variant (Variation ID: 826253). Invitae Evidence Modeling of protein sequence and biophysical properties (such as structural, functional, and spatial information, amino acid conservation, physicochemical variation, residue mobility, and thermodynamic stability) has been performed for this missense variant. However, the output from this modeling did not meet the statistical confidence thresholds required to predict the impact of this variant on ATM protein function. In summary, the available evidence is currently insufficient to determine the role of this variant in disease. Therefore, it has been classified as a Variant of Uncertain Significance.

Ambry Genetics
Classification: Uncertain significance for Hereditary cancer-predisposing syndrome. Last evaluated: 2019-03-22. Review status: criteria provided, single submitter. Criteria: Ambry Variant Classification Scheme 2023. Collection method: clinical testing. Allele origin: germline.
Comment: The p.G2072E variant (also known as c.6215G>A), located in coding exon 42 of the ATM gene, results from a G to A substitution at nucleotide position 6215. The glycine at codon 2072 is replaced by glutamic acid, an amino acid with similar properties. This amino acid position is highly conserved in available vertebrate species. In addition, this alteration is predicted to be deleterious by in silico analysis. Since supporting evidence is limited at this time, the clinical significance of this alteration remains unclear.